The following is an entry in ClinVar:

ClinVar aggregate classification (germline): Uncertain significance (1 of 4 stars; one submission).

Submission:

GeneDx
Classification: Uncertain significance. Last evaluated: 2025-04-23. Review status: criteria provided, single submitter. Criteria: GeneDx Variant Classification Process June 2021. Collection method: clinical testing. Allele origin: germline. Affected: yes.
Comment: Not observed at significant frequency in large population cohorts (gnomAD); In silico analysis supports that this missense variant has a deleterious effect on protein structure/function; Has not been previously published as pathogenic or benign to our knowledge

NM_004371.4(COPA):c.3095T>G (p.Ile1032Ser)

Gene: COPA (coat protein complex I subunit alpha; minus strand). Cytogenetic location: 1q23.2.
Variant type: single nucleotide variant.
Coding change: c.3095T>G on transcript NM_004371.4 (MANE Select); coding-DNA position 3095, T replaced by G.
Protein change: p.Ile1032Ser; replaces isoleucine 1032 with serine.
Molecular consequence: missense variant.
Genome position (GRCh38, 1-based): chr1:160,292,064, A>C on the plus strand (T>G on the coding strand, the complement: COPA is on the minus strand). VCF-style: chr1-160292064-A-C. GRCh37 (hg19) VCF-style: chr1-160261854-A-C.
Other names: c.3122T>G, p.Ile1041Ser (NM_001098398.2); short protein forms I1032S, I1041S.
Identifiers: ClinVar variation 4527277 (VCV004527277.1).
Genomic context (GRCh38, chr1:160,292,064, plus strand): 5'-CCTCCTACCTCTGCAATCTCTTGTTTATTGTCCACAACAAGAAGTGGCACACTGAGAAGG[A>C]TGGAACGGAATTTTTCCACAGCCTCCTCAAATTTGCCAACTGTGGTGAGCTGGTAGCACA-3'
Protein context (NP_004362.2, residues 1022-1042): FEEAVEKFRS[Ile1032Ser]LLSVPLLVVD